The following is an entry in ClinVar:

ClinVar aggregate classification (germline): Uncertain significance. Review status: criteria provided, multiple submitters, no conflicts (2 of 4 stars). 2 submissions from 2 submitters: Uncertain significance (2). Last evaluated 2025-03-11.

Conditions:
Primary dilated cardiomyopathy (DCM). Also called: Dilated Cardiomyopathy. Identifiers: Orphanet 217604, MedGen C0007193, MeSH D002311, MONDO:0005021, HP:0001644. Inheritance: Various modes of inheritance.

Allele frequency attached by ClinVar (database versions not stated): TOPMed 0.00057.
gnomAD v4.1: 64 of 1,614,140 alleles (0.004%); highest among the groups gnomAD compares: Admixed American, 0.0033%; no homozygotes.

Submissions (2):

Labcorp Genetics (formerly Invitae), Labcorp
Classification: Uncertain significance for Primary dilated cardiomyopathy. Last evaluated: 2025-03-11. Review status: criteria provided, single submitter. Criteria: Invitae Variant Classification Sherloc (09022015). Collection method: clinical testing. Allele origin: germline.
Comment: This sequence change replaces leucine, which is neutral and non-polar, with glutamine, which is neutral and polar, at codon 21 of the FHL2 protein (p.Leu21Gln). This variant is present in population databases (rs755805016, gnomAD 0.006%). This variant has not been reported in the literature in individuals affected with FHL2-related conditions. ClinVar contains an entry for this variant (Variation ID: 504936). An algorithm developed to predict the effect of missense changes on protein structure and function (PolyPhen-2) suggests that this variant is likely to be disruptive. In summary, the available evidence is currently insufficient to determine the role of this variant in disease. Therefore, it has been classified as a Variant of Uncertain Significance.

Laboratory for Molecular Medicine, Mass General Brigham Personalized Medicine
Classification: Uncertain significance. Last evaluated: 2016-04-29. Review status: criteria provided, single submitter. Criteria: LMM Criteria. Collection method: clinical testing. Allele origin: germline. Observed: 1 variant allele.
Comment: The p.Leu21Gln variant in FHL2 not been previously reported in individuals with cardiomyopathy, but has been identified in 2/66712 European chromosomes by the E xome Aggregation Consortium (ExAC; dbSNP rs75580 5016). Computational prediction tools and conservation analysis do not provide s trong support for or against an impact to the protein. In summary, the clinical significance of the p.Leu21Gln variant is uncertain.

NM_001318895.3(FHL2):c.62T>A (p.Leu21Gln)

Gene: FHL2 (four and a half LIM domains 2; minus strand). Cytogenetic location: 2q12.2.
Variant type: single nucleotide variant.
Coding change: c.62T>A on transcript NM_001318895.3 (MANE Select); coding-DNA position 62, T replaced by A.
Protein change: p.Leu21Gln; replaces leucine 21 with glutamine.
Molecular consequence: missense variant. On other transcripts: 5 prime UTR variant (3).
Genome position (GRCh38, 1-based): chr2:105,386,455, A>T on the plus strand (T>A on the coding strand, the complement: FHL2 is on the minus strand). VCF-style: chr2-105386455-A-T. GRCh37 (hg19) VCF-style: chr2-106002912-A-T.
Other names: c.62T>A, p.Leu21Gln (NM_001039492.3, NM_001318894.1, NM_001318896.2 and 4 more transcripts); c.-106T>A (NM_001318897.2, NM_001318898.2); c.-385T>A (NM_001318899.2); short protein forms L21Q.
Identifiers: ClinVar variation 504936 (VCV000504936.12), dbSNP rs755805016, ClinGen allele CA1814875.